The following is an entry in ClinVar:

ClinVar aggregate classification (germline): Uncertain significance (1 of 4 stars; one submission).

Conditions:
Inborn genetic diseases. Identifiers: MedGen C0950123, MeSH D030342.

Submission:

Ambry Genetics
Classification: Uncertain significance for Inborn genetic diseases. Last evaluated: 2026-05-24. Review status: criteria provided, single submitter. Criteria: Ambry Variant Classification Scheme 2023. Collection method: clinical testing. Allele origin: germline.
Comment: The p.R239G variant (also known as c.715A>G), located in coding exon 6 of the BUB1B gene, results from an A to G substitution at nucleotide position 715. The arginine at codon 239 is replaced by glycine, an amino acid with dissimilar properties. This amino acid position is conserved. In addition, this alteration is predicted to be tolerated by in silico analysis. Based on the available evidence, the clinical significance of this variant remains unclear.

NM_001211.6(BUB1B):c.715A>G (p.Arg239Gly)

Gene: BUB1B (BUB1 mitotic checkpoint serine/threonine kinase B; plus strand). Cytogenetic location: 15q15.1.
Variant type: single nucleotide variant.
Coding change: c.715A>G on transcript NM_001211.6 (MANE Select); coding-DNA position 715, A replaced by G.
Protein change: p.Arg239Gly; replaces arginine 239 with glycine.
Molecular consequence: missense variant.
Genome position (GRCh38, 1-based): chr15:40,183,847, A>G. VCF-style: chr15-40183847-A-G. GRCh37 (hg19) VCF-style: chr15-40476048-A-G.
Other names: short protein forms R239G.
Identifiers: ClinVar variation 4868013 (VCV004868013.1).